The following is an entry in ClinVar:

NM_005051.3(QARS1):c.2116G>A (p.Glu706Lys)

Gene: QARS1 (glutaminyl-tRNA synthetase 1; minus strand). Cytogenetic location: 3p21.31.
Variant type: single nucleotide variant.
Coding change: c.2116G>A on transcript NM_005051.3 (MANE Select); coding-DNA position 2116, G replaced by A.
Protein change: p.Glu706Lys; replaces glutamic acid 706 with lysine.
Molecular consequence: missense variant. On other transcripts: non-coding transcript variant (1).
Genome position (GRCh38, 1-based): chr3:49,098,227, C>T on the plus strand (G>A on the coding strand, the complement: QARS1 is on the minus strand). VCF-style: chr3-49098227-C-T. GRCh37 (hg19) VCF-style: chr3-49135660-C-T.
Other names: c.2083G>A, p.Glu695Lys (NM_001272073.2); c.2116G>A (NM_005051.1); short protein forms E695K, E706K.
Identifiers: ClinVar variation 2119953 (VCV002119953.5), dbSNP rs2471843153, ClinGen allele CA352698315.

ClinVar aggregate classification (germline): Uncertain significance. Review status: criteria provided, multiple submitters, no conflicts (2 of 4 stars). 2 submissions from 2 submitters: Uncertain significance (2). Last evaluated 2025-04-21.

Conditions:
Inborn genetic diseases. Identifiers: MedGen C0950123, MeSH D030342.
Diffuse cerebral and cerebellar atrophy - intractable seizures - progressive microcephaly syndrome. Also called: Microcephaly, progressive, with seizures and cerebral and cerebellar atrophy. Identifiers: Orphanet 404437, MedGen C4014239, MONDO:0014335, OMIM 615760.

Submissions (2):

Ambry Genetics
Classification: Uncertain significance for Inborn genetic diseases. Last evaluated: 2025-04-21. Review status: criteria provided, single submitter. Criteria: Ambry Variant Classification Scheme 2023. Collection method: clinical testing. Allele origin: germline.

Labcorp Genetics (formerly Invitae), Labcorp
Classification: Uncertain significance for Diffuse cerebral and cerebellar atrophy - intractable seizures - progressive microcephaly syndrome. Last evaluated: 2023-12-21. Review status: criteria provided, single submitter. Criteria: Invitae Variant Classification Sherloc (09022015). Collection method: clinical testing. Allele origin: germline.
Comment: This sequence change replaces glutamic acid, which is acidic and polar, with lysine, which is basic and polar, at codon 706 of the QARS protein (p.Glu706Lys). This variant is not present in population databases (gnomAD no frequency). This variant has not been reported in the literature in individuals affected with QARS-related conditions. ClinVar contains an entry for this variant (Variation ID: 2119953). Advanced modeling of protein sequence and biophysical properties (such as structural, functional, and spatial information, amino acid conservation, physicochemical variation, residue mobility, and thermodynamic stability) has been performed at Invitae for this missense variant, however the output from this modeling did not meet the statistical confidence thresholds required to predict the impact of this variant on QARS protein function. In summary, the available evidence is currently insufficient to determine the role of this variant in disease. Therefore, it has been classified as a Variant of Uncertain Significance.